The following is an entry in ClinVar:

NM_000214.3(JAG1):c.503A>C (p.Gln168Pro)

Gene: JAG1 (jagged canonical Notch ligand 1; minus strand). Cytogenetic location: 20p12.2.
Variant type: single nucleotide variant.
Coding change: c.503A>C on transcript NM_000214.3 (MANE Select); coding-DNA position 503, A replaced by C.
Protein change: p.Gln168Pro; replaces glutamine 168 with proline.
Molecular consequence: missense variant.
Genome position (GRCh38, 1-based): chr20:10,658,659, T>G on the plus strand (A>C on the coding strand, the complement: JAG1 is on the minus strand). VCF-style: chr20-10658659-T-G. GRCh37 (hg19) VCF-style: chr20-10639307-T-G.
Other names: short protein forms Q168P.
Identifiers: ClinVar variation 3573048 (VCV003573048.2).

Conditions:
Arteriohepatic dysplasia. Also called: Alagille Syndrome. Identifiers: Orphanet 52, MedGen C0085280, MeSH D016738, MONDO:0007318.

Submission:

Gilbert/Spinner Lab, Children's Hospital of Philadelphia
No classification provided (evidence only). Condition: Alagille syndrome. Review status: no classification provided. Collection method: research. Allele origin: not applicable. Functional consequence: functionally_abnormal.
ClinVar note: "not provided" was previously submitted as the classification for the variant. However, the classification appeared to be based only on an observation of functional data so it was converted to no classification on 2025-07-30.